The following is an entry in ClinVar:

NM_001271938.2(MEGF8):c.7089C>T (p.Cys2363=)

Gene: MEGF8 (multiple EGF like domains 8; plus strand). Cytogenetic location: 19q13.2.
Variant type: single nucleotide variant.
Coding change: c.7089C>T on transcript NM_001271938.2 (MANE Select); coding-DNA position 7089, C replaced by T.
Protein change: p.Cys2363=; no amino-acid change (cysteine 2363 retained).
Molecular consequence: synonymous variant.
Genome position (GRCh38, 1-based): chr19:42,370,784, C>T. VCF-style: chr19-42370784-C-T. GRCh37 (hg19) VCF-style: chr19-42874936-C-T.
Other names: c.6888C>T, p.Cys2296= (NM_001410.3).
Identifiers: ClinVar variation 473344 (VCV000473344.20), dbSNP rs138235390, ClinGen allele CA9476050.

ClinVar aggregate classification (germline): Likely benign. Review status: criteria provided, multiple submitters, no conflicts (2 of 4 stars). 3 submissions from 3 submitters: Likely benign (3). Last evaluated 2026-03-23.

Conditions:
MEGF8-related Carpenter syndrome. Also called: Carpenter syndrome 2. Identifiers: Orphanet 65759, MedGen C3554247, MONDO:0013998, OMIM 614976.
MEGF8-related disorder. Also called: MEGF8-related condition.

Allele frequency attached by ClinVar (database versions not stated): TOPMed 0.00033; gnomAD 0.00034 and 0.00037; gnomAD exomes 0.00037; ExAC 0.00039; ESP Exome Variant Server 0.00062.
gnomAD v4.1: 597 of 1,512,866 alleles (0.039%); highest among the groups gnomAD compares: Non-Finnish European, 0.048%; 1 homozygote.

Submissions (5):

PreventionGenetics, part of Exact Sciences
Classification: Likely benign for MEGF8-related condition. Last evaluated: 2026-03-23. Review status: criteria provided, single submitter. Criteria: ACMG Guidelines, 2015. Collection method: clinical testing. Allele origin: germline.
Comment: This variant is classified as likely benign based on ACMG/AMP sequence variant interpretation guidelines (Richards et al. 2015 PMID: 25741868, with internal and published modifications).

CeGaT Center for Human Genetics Tuebingen
Classification: Likely benign. Last evaluated: 2026-03-01. Review status: criteria provided, single submitter. Criteria: CeGaT Center For Human Genetics Tuebingen Variant Classification Criteria Version 2. Collection method: clinical testing. Allele origin: germline. Affected: yes. Observed: 2 variant alleles.
Comment: MEGF8: BP4, BP7

Labcorp Genetics (formerly Invitae), Labcorp
Classification: Likely benign for MEGF8-related Carpenter syndrome. Last evaluated: 2026-01-15. Review status: criteria provided, single submitter. Criteria: Invitae Variant Classification Sherloc (09022015). Collection method: clinical testing. Allele origin: germline.

Dr. Peter K. Rogan Lab, Western University
No classification provided (evidence only). Condition: Acute myeloid leukemia. Review status: no classification provided. Collection method: in vitro. Allele origin: not applicable. Functional consequence: retained intron. Not counted in ClinVar's aggregate classification.

Dr. Peter K. Rogan Lab, Western University
No classification provided (evidence only). Condition: Acute myeloid leukemia. Review status: no classification provided. Collection method: in vitro. Allele origin: not applicable. Functional consequence: retained intron. Not counted in ClinVar's aggregate classification.